The following is an entry in ClinVar:

NM_002460.4(IRF4):c.447C>T (p.Ser149=)

Gene: IRF4 (interferon regulatory factor 4; plus strand). Cytogenetic location: 6p25.3.
Variant type: single nucleotide variant.
Coding change: c.447C>T on transcript NM_002460.4 (MANE Select); coding-DNA position 447, C replaced by T.
Protein change: p.Ser149=; no amino-acid change (serine 149 retained).
Molecular consequence: synonymous variant. On other transcripts: non-coding transcript variant (1).
Genome position (GRCh38, 1-based): chr6:395,890, C>T. VCF-style: chr6-395890-C-T. GRCh37 (hg19) VCF-style: chr6-395890-C-T.
Other names: c.447C>T, p.Ser149= (NM_001195286.2); c.447C>T (NM_002460.3).
Identifiers: ClinVar variation 1616018 (VCV001616018.9), dbSNP rs776019676, ClinGen allele CA3612696.
Genomic context (GRCh38, chr6:395,890, plus strand): 5'-TTTCCCCAAACATGTAGGAGCCAAGCAGCTCACCCTGGAGGACCCGCAGATGTCCATGAG[C>T]CACCCCTACACCATGACAACGCCTTACCCTTCGCTCCCAGCCCAGGTATGGTGGAGGGCA-3'
Protein context (NP_002451.2, residues 139-159): LTLEDPQMSM[Ser149=]HPYTMTTPYP

ClinVar aggregate classification (germline): Likely benign. Review status: criteria provided, multiple submitters, no conflicts (2 of 4 stars). 2 submissions from 2 submitters: Likely benign (2). Last evaluated 2026-06-16.

Conditions:
IRF4-related disorder. Also called: IRF4-related condition.

Allele frequency attached by ClinVar (database versions not stated): gnomAD 0.00002; gnomAD exomes 0.00002 and 0.00003; TOPMed 0.00003; ExAC 0.00004.

Submissions (2):

PreventionGenetics, part of Exact Sciences
Classification: Likely benign for IRF4-related condition. Last evaluated: 2026-06-16. Review status: criteria provided, single submitter. Criteria: ACMG Guidelines, 2015. Collection method: clinical testing. Allele origin: germline.
Comment: This variant is classified as likely benign based on ACMG/AMP sequence variant interpretation guidelines (Richards et al. 2015 PMID: 25741868, with internal and published modifications).

Labcorp Genetics (formerly Invitae), Labcorp
Classification: Likely benign. Last evaluated: 2024-03-20. Review status: criteria provided, single submitter. Criteria: Invitae Variant Classification Sherloc (09022015). Collection method: clinical testing. Allele origin: germline.